The following is an entry in ClinVar:

NM_024496.4(IRF2BPL):c.815_818del (p.Pro272fs)

Gene: IRF2BPL (interferon regulatory factor 2 binding protein like; minus strand). Cytogenetic location: 14q24.3.
Variant type: Deletion.
Coding change: c.815_818del on transcript NM_024496.4 (MANE Select); coding-DNA positions 815 to 818, 4 bases deleted (CCCC; older notation c.815_818delCCCC).
Protein change: p.Pro272fs; shifts the reading frame from proline 272.
Molecular consequence: frameshift variant.
Genome position (GRCh38, 1-based): chr14:77,026,975-77,026,978, GGGG deleted on the plus strand (CCCC on the coding strand, the reverse complement: IRF2BPL is on the minus strand); deleting any 4 consecutive bases within chr14:77,026,975-77,026,980 gives the same sequence; the c. name uses the placement nearest the transcript's 3' end. VCF-style (leftmost placement, unchanged base first): chr14-77026974-TGGGG-T. GRCh37 (hg19) VCF-style: chr14-77493317-TGGGG-T.
Other names: short protein forms P272fs.
Identifiers: ClinVar variation 4531488 (VCV004531488.1).
Genomic context (GRCh38, chr14:77,026,974, plus strand): 5'-AGGAGCCCCTGGGGGAGCAGGCGTCGGGGGCCCACGGCTGCCCAGGGCGTGGGGAGGGGG[TGGGG>T]GGAGTACCGCAGCGCTGGCCGGGCCGTTAAGCAGCGTCTGCGGTAGCAGGTTGGGGGGCA-3'

ClinVar aggregate classification (germline): Pathogenic (1 of 4 stars; one submission).

Conditions:
Neurodevelopmental disorder with regression, abnormal movements, loss of speech, and seizures. Identifiers: Orphanet 597623, MedGen C4748127, MONDO:0060759, OMIM 618088.

Submission:

Victorian Clinical Genetics Services, Murdoch Childrens Research Institute
Classification: Pathogenic for Neurodevelopmental disorder with regression, abnormal movements, loss of speech, and seizures. Last evaluated: 2024-12-16. Review status: criteria provided, single submitter. Criteria: ACMG Guidelines, 2015. Collection method: clinical testing. Allele origin: germline. Affected: yes.
Comment: This variant is classified as Pathogenic. Evidence in support of pathogenic classification: Variant is predicted to result in a truncated protein (premature termination codon is NOT located at least 54 nucleotides upstream of the final exon-exon junction) with at least 1/3 of the protein sequence affected; Variant is absent from gnomAD (v2, v3 and v4); Other protein truncating variant(s) comparable to the one identified in this case have very strong previous evidence for pathogenicity (DECIPHER); Additional information: This variant is heterozygous; This gene is associated with autosomal dominant disease; This variant has no previous evidence of pathogenicity; No published segregation evidence has been identified for this variant; No published functional evidence has been identified for this variant; Loss of function is a known mechanism of disease in this gene and is associated with neurodevelopmental disorder with regression, abnormal movements, loss of speech, and seizures (MIM#618088).